The following is an entry in ClinVar:

NM_005219.5(DIAPH1):c.1879A>G (p.Ile627Val)

Gene: DIAPH1 (diaphanous related formin 1; minus strand). Cytogenetic location: 5q31.3.
Variant type: single nucleotide variant.
Coding change: c.1879A>G on transcript NM_005219.5 (MANE Select); coding-DNA position 1879, A replaced by G.
Protein change: p.Ile627Val; replaces isoleucine 627 with valine.
Molecular consequence: missense variant.
Genome position (GRCh38, 1-based): chr5:141,573,971, T>C on the plus strand (A>G on the coding strand, the complement: DIAPH1 is on the minus strand). VCF-style: chr5-141573971-T-C. GRCh37 (hg19) VCF-style: chr5-140953538-T-C.
Other names: c.1852A>G, p.Ile618Val (NM_001079812.3); c.1879A>G, p.Ile627Val (NM_001314007.2); short protein forms I618V, I627V.
Identifiers: ClinVar variation 2945331 (VCV002945331.3), dbSNP rs2513741113, ClinGen allele CA361520394.

ClinVar aggregate classification (germline): Uncertain significance (1 of 4 stars; one submission).

Conditions:
Autosomal dominant nonsyndromic hearing loss 1. Also called: KONIGSMARK SYNDROME; DEAFNESS, AUTOSOMAL DOMINANT 1, WITH OR WITHOUT THROMBOCYTOPENIA. Identifiers: Orphanet 90635, MedGen C1852282, MONDO:0007424, OMIM 124900.
Progressive microcephaly-seizures-cortical blindness-developmental delay syndrome. Also called: Seizures, cortical blindness, and microcephaly syndrome. Identifiers: Orphanet 477814, MedGen C5567650, MONDO:0014714, OMIM 616632.

Allele frequency attached by ClinVar (database versions not stated): gnomAD exomes below 0.00001.
gnomAD v4.1: 2 of 1,537,268 alleles (0.00013%); highest among the groups gnomAD compares: Middle Eastern, 0.019%; no homozygotes.

Submission:

Labcorp Genetics (formerly Invitae), Labcorp
Classification: Uncertain significance for Progressive microcephaly-seizures-cortical blindness-developmental delay syndrome; Autosomal dominant nonsyndromic hearing loss 1. Last evaluated: 2023-03-15. Review status: criteria provided, single submitter. Criteria: Invitae Variant Classification Sherloc (09022015). Collection method: clinical testing. Allele origin: germline.
Comment: In summary, the available evidence is currently insufficient to determine the role of this variant in disease. Therefore, it has been classified as a Variant of Uncertain Significance. Experimental studies and prediction algorithms are not available or were not evaluated, and the functional significance of this variant is currently unknown. This variant has not been reported in the literature in individuals affected with DIAPH1-related conditions. This variant is not present in population databases (gnomAD no frequency). This sequence change replaces isoleucine, which is neutral and non-polar, with valine, which is neutral and non-polar, at codon 627 of the DIAPH1 protein (p.Ile627Val).